The following is an entry in ClinVar:

ClinVar aggregate classification (germline): Conflicting classifications of pathogenicity. Review status: criteria provided, conflicting classifications (1 of 4 stars). 2 submissions from 2 submitters: Pathogenic (1); Uncertain significance (1). Last evaluated 2022-02-03.

Submissions (2):

Athena Diagnostics
Classification: Uncertain significance. Last evaluated: 2022-02-03. Review status: criteria provided, single submitter. Criteria: Athena Diagnostics Criteria. Collection method: clinical testing. Allele origin: unknown.

GeneDx
Classification: Pathogenic. Last evaluated: 2022-01-21. Review status: criteria provided, single submitter. Criteria: GeneDx Variant Classification Process June 2021. Collection method: clinical testing. Allele origin: germline. Affected: yes.
Comment: Not observed at significant frequency in large population cohorts (gnomAD); In silico analysis supports that this missense variant has a deleterious effect on protein structure/function; This variant is associated with the following publications: (PMID: 33486010)

Literature cited by the submitters: PubMed 33486010 (cited by Athena Diagnostics).

NM_002693.3(POLG):c.3294T>G (p.Asn1098Lys)

Gene: POLG (DNA polymerase gamma, catalytic subunit; minus strand). Cytogenetic location: 15q26.1.
Variant type: single nucleotide variant.
Coding change: c.3294T>G on transcript NM_002693.3 (MANE Select); coding-DNA position 3294, T replaced by G.
Protein change: p.Asn1098Lys; replaces asparagine 1098 with lysine.
Molecular consequence: missense variant.
Genome position (GRCh38, 1-based): chr15:89,318,729, A>C on the plus strand (T>G on the coding strand, the complement: POLG is on the minus strand). VCF-style: chr15-89318729-A-C. GRCh37 (hg19) VCF-style: chr15-89861960-A-C.
Other names: c.3294T>G, p.Asn1098Lys (NM_001126131.2); short protein forms N1098K.
Identifiers: ClinVar variation 1699813 (VCV001699813.3), dbSNP rs374224714, ClinGen allele CA393750174.